The following is an entry in ClinVar:

ClinVar aggregate classification (germline): Uncertain significance (1 of 4 stars; one submission).

Allele frequency attached by ClinVar (database versions not stated): ExAC 0.00001; TOPMed 0.00001.
gnomAD v4.1: 5 of 1,606,756 alleles (0.00031%); highest among the groups gnomAD compares: South Asian, 0.0011%; no homozygotes.

Submission:

Labcorp Genetics (formerly Invitae), Labcorp
Classification: Uncertain significance. Last evaluated: 2023-09-10. Review status: criteria provided, single submitter. Criteria: Invitae Variant Classification Sherloc (09022015). Collection method: clinical testing. Allele origin: germline.
Comment: In summary, the available evidence is currently insufficient to determine the role of this variant in disease. Therefore, it has been classified as a Variant of Uncertain Significance. An algorithm developed to predict the effect of missense changes on protein structure and function (PolyPhen-2) suggests that this variant is likely to be tolerated. This variant has not been reported in the literature in individuals affected with MYLK3-related conditions. This variant is present in population databases (rs748943202, gnomAD 0.003%). This sequence change replaces proline, which is neutral and non-polar, with threonine, which is neutral and polar, at codon 389 of the MYLK3 protein (p.Pro389Thr).

NM_182493.3(MYLK3):c.1165C>A (p.Pro389Thr)

Gene: MYLK3 (myosin light chain kinase 3; minus strand). Cytogenetic location: 16q11.2.
Variant type: single nucleotide variant.
Coding change: c.1165C>A on transcript NM_182493.3 (MANE Select); coding-DNA position 1165, C replaced by A.
Protein change: p.Pro389Thr; replaces proline 389 with threonine.
Molecular consequence: missense variant.
Genome position (GRCh38, 1-based): chr16:46,732,505, G>T on the plus strand (C>A on the coding strand, the complement: MYLK3 is on the minus strand). VCF-style: chr16-46732505-G-T. GRCh37 (hg19) VCF-style: chr16-46766417-G-T.
Other names: c.142C>A, p.Pro48Thr (NM_001308301.1); short protein forms P389T, P48T.
Identifiers: ClinVar variation 2991022 (VCV002991022.3), dbSNP rs748943202, ClinGen allele CA8038062.